The following is an entry in ClinVar:

ClinVar aggregate classification (germline): Uncertain significance (1 of 4 stars; one submission).

Allele frequency attached by ClinVar (database versions not stated): gnomAD 0.00001; ExAC 0.00009; 1000 Genomes Project 30x 0.00016.

Submission:

Labcorp Genetics (formerly Invitae), Labcorp
Classification: Uncertain significance. Last evaluated: 2023-06-25. Review status: criteria provided, single submitter. Criteria: Invitae Variant Classification Sherloc (09022015). Collection method: clinical testing. Allele origin: germline.
Comment: An algorithm developed to predict the effect of missense changes on protein structure and function (PolyPhen-2) suggests that this variant is likely to be disruptive. In summary, the available evidence is currently insufficient to determine the role of this variant in disease. Therefore, it has been classified as a Variant of Uncertain Significance. This variant has not been reported in the literature in individuals affected with TET2-related conditions. The frequency data for this variant in the population databases is considered unreliable, as metrics indicate poor data quality at this position in the gnomAD database. This sequence change replaces threonine, which is neutral and polar, with alanine, which is neutral and non-polar, at codon 1884 of the TET2 protein (p.Thr1884Ala).

NM_001127208.3(TET2):c.5650A>G (p.Thr1884Ala)

Genes: TET2 (tet methylcytosine dioxygenase 2; plus strand), TET2-AS1 (TET2 antisense RNA 1; minus strand). Cytogenetic location: 4q24.
Variant type: single nucleotide variant.
Coding change: c.5650A>G on transcript NM_001127208.3 (MANE Select); coding-DNA position 5650, A replaced by G.
Protein change: p.Thr1884Ala; replaces threonine 1884 with alanine.
Molecular consequence: missense variant.
Genome position (GRCh38, 1-based): chr4:105,276,160, A>G. VCF-style: chr4-105276160-A-G. GRCh37 (hg19) VCF-style: chr4-106197317-A-G.
Other names: short protein forms T1884A.
Identifiers: ClinVar variation 3022021 (VCV003022021.3), dbSNP rs76428136, ClinGen allele CA3032283.